The following is an entry in ClinVar:

ClinVar aggregate classification (germline): Uncertain significance (1 of 4 stars; one submission).

Conditions:
Anterior segment dysgenesis 7 (ASGD7). Also called: Anterior segment dysgenesis 7, with sclerocornea; SCLEROCORNEA WITH OTHER OCULAR ANOMALIES. Identifiers: Orphanet 289499, MedGen C3151617, MONDO:0010015, OMIM 269400.

Allele frequency attached by ClinVar (database versions not stated): TOPMed 0.00006; ExAC 0.00011; gnomAD exomes 0.00012.
gnomAD v4.1: 33 of 1,613,746 alleles (0.002%); highest among the groups gnomAD compares: Admixed American, 0.055%; 1 homozygote.

Submission:

Labcorp Genetics (formerly Invitae), Labcorp
Classification: Uncertain significance for Anterior segment dysgenesis 7. Last evaluated: 2022-07-18. Review status: criteria provided, single submitter. Criteria: Invitae Variant Classification Sherloc (09022015). Collection method: clinical testing. Allele origin: germline.
Comment: This sequence change replaces valine, which is neutral and non-polar, with methionine, which is neutral and non-polar, at codon 1256 of the PXDN protein (p.Val1256Met). This variant is present in population databases (rs772632642, gnomAD 0.08%), including at least one homozygous and/or hemizygous individual. This variant has not been reported in the literature in individuals affected with PXDN-related conditions. ClinVar contains an entry for this variant (Variation ID: 1506313). Algorithms developed to predict the effect of missense changes on protein structure and function are either unavailable or do not agree on the potential impact of this missense change (SIFT: "Tolerated"; PolyPhen-2: "Possibly Damaging"; Align-GVGD: "Class C0"). In summary, the available evidence is currently insufficient to determine the role of this variant in disease. Therefore, it has been classified as a Variant of Uncertain Significance.

NM_012293.3(PXDN):c.3766G>A (p.Val1256Met)

Gene: PXDN (peroxidasin; minus strand). Cytogenetic location: 2p25.3.
Variant type: single nucleotide variant.
Coding change: c.3766G>A on transcript NM_012293.3 (MANE Select); coding-DNA position 3766, G replaced by A.
Protein change: p.Val1256Met; replaces valine 1256 with methionine.
Molecular consequence: missense variant.
Genome position (GRCh38, 1-based): chr2:1,643,554, C>T on the plus strand (G>A on the coding strand, the complement: PXDN is on the minus strand). VCF-style: chr2-1643554-C-T. GRCh37 (hg19) VCF-style: chr2-1647326-C-T.
Other names: short protein forms V1256M.
Identifiers: ClinVar variation 1506313 (VCV001506313.5), dbSNP rs772632642, ClinGen allele CA1512626.
Genomic context (GRCh38, chr2:1,643,554, plus strand): 5'-CGCATAGGATCCTGGCCAGCGACGTCTGCTTGATCTGAGTCAGCTGGGCCGGGGAGAACA[C>T]CCCAGGGTTCTCATACCACAACCTGGATCCCCCAAAATGAAAGCAGGATCAGAGAAGGGC-3'
Protein context (NP_036425.1, residues 1246-1266): GDRLWYENPG[Val1256Met]FSPAQLTQIK